The following is an entry in ClinVar:

NM_201253.3(CRB1):c.2264T>C (p.Leu755Ser)

Gene: CRB1 (crumbs cell polarity complex component 1; plus strand). Cytogenetic location: 1q31.3.
Variant type: single nucleotide variant.
Coding change: c.2264T>C on transcript NM_201253.3 (MANE Select); coding-DNA position 2264, T replaced by C.
Protein change: p.Leu755Ser; replaces leucine 755 with serine.
Molecular consequence: missense variant. On other transcripts: non-coding transcript variant (2), intron variant (1).
Genome position (GRCh38, 1-based): chr1:197,427,589, T>C. VCF-style: chr1-197427589-T-C. GRCh37 (hg19) VCF-style: chr1-197396719-T-C.
Other names: c.1928T>C, p.Leu643Ser (NM_001193640.2); c.2057T>C, p.Leu686Ser (NM_001257965.2); c.2128+5633T>C (NM_001257966.2); short protein forms L643S, L686S, L755S.
Identifiers: ClinVar variation 1987684 (VCV001987684.4), dbSNP rs2528148484, ClinGen allele CA344036851.

ClinVar aggregate classification (germline): Likely pathogenic (1 of 4 stars; one submission).

Conditions:
Retinitis pigmentosa 12 (RP12). Also called: RP WITH OR WITHOUT PRESERVED PARAARTERIOLE RETINAL PIGMENT EPITHELIUM; RETINITIS PIGMENTOSA WITH OR WITHOUT PARAARTERIOLAR PRESERVATION OF RETINAL PIGMENT EPITHELIUM; RP WITH OR WITHOUT PPRPE. Identifiers: Orphanet 791, MedGen C1838647, MONDO:0010818, OMIM 600105.
Leber congenital amaurosis 8 (LCA8). Identifiers: Orphanet 65, MedGen C3151202, MONDO:0013453, OMIM 613835.

Submission:

Labcorp Genetics (formerly Invitae), Labcorp
Classification: Likely pathogenic for Leber congenital amaurosis 8; Retinitis pigmentosa 12. Last evaluated: 2022-08-31. Review status: criteria provided, single submitter. Criteria: Invitae Variant Classification Sherloc (09022015). Collection method: clinical testing. Allele origin: germline.
Comment: In summary, the currently available evidence indicates that the variant is pathogenic, but additional data are needed to prove that conclusively. Therefore, this variant has been classified as Likely Pathogenic. Advanced modeling of protein sequence and biophysical properties (such as structural, functional, and spatial information, amino acid conservation, physicochemical variation, residue mobility, and thermodynamic stability) performed at Invitae indicates that this missense variant is expected to disrupt CRB1 protein function. This missense change has been observed in individual(s) with Leber congenital amaurosis and/or retinoschisis (PMID: 32141364; Invitae). This variant is not present in population databases (gnomAD no frequency). This sequence change replaces leucine, which is neutral and non-polar, with serine, which is neutral and polar, at codon 755 of the CRB1 protein (p.Leu755Ser).

Literature cited by the submitters: PubMed 32141364.